The following is an entry in ClinVar:

ClinVar aggregate classification (germline): Uncertain significance (1 of 4 stars; one submission).

Conditions:
Familial melanoma. Also called: Hereditary melanoma; Hereditary cutaneous melanoma. Identifiers: Orphanet 618, MedGen C1512419, MONDO:0018961.

Submission:

Labcorp Genetics (formerly Invitae), Labcorp
Classification: Uncertain significance for Familial melanoma. Last evaluated: 2022-04-07. Review status: criteria provided, single submitter. Criteria: Invitae Variant Classification Sherloc (09022015). Collection method: clinical testing. Allele origin: germline.
Comment: This variant has not been reported in the literature in individuals affected with CDKN2A (p16INK4a)-related conditions. In summary, the available evidence is currently insufficient to determine the role of this variant in disease. Therefore, it has been classified as a Variant of Uncertain Significance. This variant disrupts the p.Val59Gly amino acid residue in CDKN2A (p16INK4a). Other variant(s) that disrupt this residue have been determined to be pathogenic (PMID: 9425228, 12700603, 15146471, 19571771, 19799798, 20653773, 21893440, 22841127, 26681309; Invitae). This suggests that this residue is clinically significant, and that variants that disrupt this residue are likely to be disease-causing. Algorithms developed to predict the effect of missense changes on protein structure and function (SIFT, PolyPhen-2, Align-GVGD) all suggest that this variant is likely to be tolerated. This variant is also known as c.218G>T (p.Ser73Ile) in CDKN2A (p14ARF) transcript. This variant is not present in population databases (gnomAD no frequency). This sequence change replaces valine, which is neutral and non-polar, with leucine, which is neutral and non-polar, at codon 59 of the CDKN2A (p16INK4a) protein (p.Val59Leu). The CDKN2A gene encodes two different proteins, p16INK4a and p14ARF, which are translated from alternative transcripts with different open reading frames. Both transcripts have been analyzed. We report either the variant with the higher classification or default to the CDKN2A (p16INK4a) variant. This report therefore includes the details for the CDKN2A (p16INK4a) variant.

Literature cited by the submitters: PubMed 9425228; PubMed 12700603; PubMed 15146471; PubMed 19571771; PubMed 19799798; PubMed 20653773; PubMed 21893440; PubMed 22841127; PubMed 26681309.

NM_000077.5(CDKN2A):c.175G>T (p.Val59Leu)

Gene: CDKN2A (cyclin dependent kinase inhibitor 2A; minus strand). Cytogenetic location: 9p21.3.
Variant type: single nucleotide variant.
Coding change: c.175G>T on transcript NM_000077.5; coding-DNA position 175, G replaced by T.
Protein change: p.Val59Leu; replaces valine 59 with leucine.
Molecular consequence: missense variant (on NM_000077.6). On other transcripts: 3 prime UTR variant (1).
Genome position (GRCh38, 1-based): chr9:21,971,184, C>A on the plus strand (G>T on the coding strand, the complement: CDKN2A is on the minus strand). VCF-style: chr9-21971184-C-A. GRCh37 (hg19) VCF-style: chr9-21971183-C-A.
Other names: c.175G>T, p.Val59Leu (NM_000077.6, NM_001195132.2); c.22G>T, p.Val8Leu (NM_001363763.2); c.218G>T, p.Ser73Ile (NM_058195.4); c.*98G>T (NM_058197.5); short protein forms V59L, S73I, V8L.
Identifiers: ClinVar variation 2122385 (VCV002122385.4), dbSNP rs1819723898, ClinGen allele CA373086404.